The following is an entry in ClinVar:

ClinVar aggregate classification (germline): Likely pathogenic (0 of 4 stars; one submission).

Conditions:
Familial cancer of breast. Also called: Hereditary breast cancer; hereditary breast carcinoma; BREAST CANCER, FAMILIAL. Identifiers: Orphanet 227535, MedGen C0346153, MONDO:0016419, OMIM 114480. Disease mechanism: loss of function.

Submission:

MVZ Praenatalmedizin und Genetik Nuernberg
Classification: Likely pathogenic for Familial cancer of breast. Last evaluated: 2021-06-30. Review status: no assertion criteria provided. Collection method: clinical testing. Allele origin: germline. Inheritance: Autosomal dominant inheritance. Affected: yes. Observed: 1 heterozygote.
Comment: This variant was not listed in the databases (ClinVar, LOVD). GnomAD shows no entry for this variant (very rare or private variant). This variant results in a premature stop-codon in the last exon of PALB2. Therefore we do not expect nonsense mediated decay. This out-of-frame-insertion affects the C-terminal domain of the PALB2 protein, which was suggested by Sy et al. to be crucial for correct PALB2-functioning (PMID:19423707). Taken together, we classify this variant as likely pathogenic.

Literature cited by the submitters: PubMed 19423707.

NM_024675.4(PALB2):c.3446_3447insAGTACAGC (p.Leu1150fs)

Gene: PALB2 (partner and localizer of BRCA2; minus strand). Cytogenetic location: 16p12.2.
Variant type: Insertion.
Coding change: c.3446_3447insAGTACAGC on transcript NM_024675.4 (MANE Select); coding-DNA positions 3446 to 3447, AGTACAGC inserted.
Protein change: p.Leu1150fs; shifts the reading frame from leucine 1150.
Molecular consequence: frameshift variant.
Genome position: GRCh38 VCF-style: chr16-23603573-G-GGCTGTACT. GRCh37 (hg19) VCF-style: chr16-23614894-G-GGCTGTACT.
Other names: short protein forms L1150fs.
Identifiers: ClinVar variation 1320028 (VCV001320028.3), dbSNP rs2142253658, ClinGen allele CA2573054197.
Genomic context (GRCh38, chr16:23,603,573, plus strand): 5'-AGAGTCTGTACCCGACCATTTCACAAAAGACCAATGTTGGTCAGAGACAGGTGGGAGGAG[G>GGCTGTACT]GCAGTACACTGACCGAGAAGTAAGTCCCAAATGGCAATTGTTCCAGAAGTCAAGATTGCT-3'